The following is an entry in ClinVar:

ClinVar aggregate classification (germline): Benign/Likely benign. Review status: criteria provided, multiple submitters, no conflicts (2 of 4 stars). 2 submissions from 2 submitters: Benign (1); Likely benign (1). Last evaluated 2024-09-03.

Conditions:
Hereditary cancer-predisposing syndrome. Also called: Neoplastic Syndromes, Hereditary; Tumor predisposition; Hereditary Cancer Syndrome; Hereditary neoplastic syndrome. Identifiers: Orphanet 140162, MedGen C0027672, MeSH D009386, MONDO:0015356.
Familial cancer of breast. Also called: BREAST CANCER, FAMILIAL; Hereditary breast cancer; hereditary breast carcinoma. Identifiers: Orphanet 227535, MedGen C0346153, MONDO:0016419, OMIM 114480. Disease mechanism: loss of function.

Submissions (2):

Myriad Genetics, Inc.
Classification: Benign for Familial cancer of breast. Last evaluated: 2024-09-03. Review status: criteria provided, single submitter. Criteria: Myriad Autosomal Dominant, Autosomal Recessive and X-Linked Classification Criteria (2023). Collection method: clinical testing. Allele origin: unknown.
Comment: This variant is considered benign. This variant is a silent/synonymous amino acid change and it is not expected to impact splicing.

Ambry Genetics
Classification: Likely benign for Hereditary cancer-predisposing syndrome. Last evaluated: 2020-09-11. Review status: criteria provided, single submitter. Criteria: Ambry Variant Classification Scheme 2023. Collection method: clinical testing. Allele origin: germline.

NM_032043.3(BRIP1):c.2145T>C (p.His715=)

Gene: BRIP1 (BRCA1 interacting DNA helicase 1; minus strand). Cytogenetic location: 17q23.2.
Variant type: single nucleotide variant.
Coding change: c.2145T>C on transcript NM_032043.3 (MANE Select); coding-DNA position 2145, T replaced by C.
Protein change: p.His715=; no amino-acid change (histidine 715 retained).
Molecular consequence: synonymous variant.
Genome position (GRCh38, 1-based): chr17:61,744,544, A>G on the plus strand (T>C on the coding strand, the complement: BRIP1 is on the minus strand). VCF-style: chr17-61744544-A-G. GRCh37 (hg19) VCF-style: chr17-59821905-A-G.
Identifiers: ClinVar variation 1786649 (VCV001786649.3), dbSNP rs2144699581, ClinGen allele CA501151356.